The following is an entry in ClinVar:

ClinVar aggregate classification (germline): Uncertain significance. Review status: criteria provided, multiple submitters, no conflicts (2 of 4 stars). 2 submissions from 2 submitters: Uncertain significance (2). Last evaluated 2024-05-15.

Submissions (2):

GeneDx
Classification: Uncertain significance. Last evaluated: 2024-05-15. Review status: criteria provided, single submitter. Criteria: GeneDx Variant Classification Process June 2021. Collection method: clinical testing. Allele origin: germline. Affected: yes.
Comment: Not observed at significant frequency in large population cohorts (gnomAD); In silico analysis indicates that this missense variant does not alter protein structure/function; Has not been previously published as pathogenic or benign to our knowledge

Mayo Clinic Laboratories, Mayo Clinic
Classification: Uncertain significance. Last evaluated: 2023-12-18. Review status: criteria provided, single submitter. Criteria: ACMG Guidelines, 2015. Collection method: clinical testing. Allele origin: germline. Observed: 1 variant allele.
Comment: BP4

NM_000361.3(THBD):c.1447G>A (p.Gly483Ser)

Gene: THBD (thrombomodulin; minus strand). Cytogenetic location: 20p11.21.
Variant type: single nucleotide variant.
Coding change: c.1447G>A on transcript NM_000361.3 (MANE Select); coding-DNA position 1447, G replaced by A.
Protein change: p.Gly483Ser; replaces glycine 483 with serine.
Molecular consequence: missense variant.
Genome position (GRCh38, 1-based): chr20:23,048,058, C>T on the plus strand (G>A on the coding strand, the complement: THBD is on the minus strand). VCF-style: chr20-23048058-C-T. GRCh37 (hg19) VCF-style: chr20-23028695-C-T.
Other names: p.Gly483Ser; short protein forms G483S.
Identifiers: ClinVar variation 3378369 (VCV003378369.1).